The following is an entry in ClinVar:

ClinVar aggregate classification (germline): Pathogenic (1 of 4 stars; one submission).

Conditions:
Actin accumulation myopathy (CMYO2A). Also called: CONGENITAL MYOPATHY 2A, TYPICAL, AUTOSOMAL DOMINANT; Myopathy, actin, congenital, with cores; Nemaline myopathy 3, with intranuclear rods; Nemaline myopathy type 3; Myopathy, actin, congenital, with excess of thin myofilaments. Identifiers: Orphanet 98904, MedGen C3711389, MONDO:0008070, OMIM 161800.

Submission:

Labcorp Genetics (formerly Invitae), Labcorp
Classification: Pathogenic for Actin accumulation myopathy. Last evaluated: 2020-08-06. Review status: criteria provided, single submitter. Criteria: Invitae Variant Classification Sherloc (09022015). Collection method: clinical testing. Allele origin: germline.
Comment: This variant disrupts the p.Tyr200 amino acid residue in ACTA1. Other variant(s) that disrupt this residue have been determined to be pathogenic (PMID: 19562689). This suggests that this residue is clinically significant, and that variants that disrupt this residue are likely to be disease-causing. For these reasons, this variant has been classified as Pathogenic. Algorithms developed to predict the effect of missense changes on protein structure and function (SIFT, PolyPhen-2, Align-GVGD) all suggest that this variant is likely to be disruptive, but these predictions have not been confirmed by published functional studies and their clinical significance is uncertain. This variant has been observed in individual(s) with myopathy (Invitae). In at least one individual the variant was observed to be de novo. This variant is not present in population databases (ExAC no frequency). This sequence change replaces tyrosine with asparagine at codon 200 of the ACTA1 protein (p.Tyr200Asn). The tyrosine residue is highly conserved and there is a large physicochemical difference between tyrosine and asparagine.

Literature cited by the submitters: PubMed 19562689.

NM_001100.4(ACTA1):c.598T>A (p.Tyr200Asn)

Gene: ACTA1 (actin alpha 1, skeletal muscle; minus strand). Cytogenetic location: 1q42.13.
Variant type: single nucleotide variant.
Coding change: c.598T>A on transcript NM_001100.4 (MANE Select); coding-DNA position 598, T replaced by A.
Protein change: p.Tyr200Asn; replaces tyrosine 200 with asparagine.
Molecular consequence: missense variant.
Genome position (GRCh38, 1-based): chr1:229,432,288, A>T on the plus strand (T>A on the coding strand, the complement: ACTA1 is on the minus strand). VCF-style: chr1-229432288-A-T. GRCh37 (hg19) VCF-style: chr1-229568035-A-T.
Other names: short protein forms Y200N.
Identifiers: ClinVar variation 464126 (VCV000464126.11), dbSNP rs1553255432, ClinGen allele CA345147880.